The following is an entry in ClinVar:

ClinVar aggregate classification (germline): Uncertain significance (1 of 4 stars; one submission).

Conditions:
Baller-Gerold syndrome (BGS). Also called: CRANIOSYNOSTOSIS WITH RADIAL DEFECTS. Identifiers: Orphanet 1225, MedGen C0265308, MONDO:0009039, OMIM 218600.

Allele frequency attached by ClinVar (database versions not stated): gnomAD 0.00001.

Submission:

Labcorp Genetics (formerly Invitae), Labcorp
Classification: Uncertain significance for Baller-Gerold syndrome. Last evaluated: 2025-07-21. Review status: criteria provided, single submitter. Criteria: Invitae Variant Classification Sherloc (09022015). Collection method: clinical testing. Allele origin: germline.
Comment: This sequence change falls in intron 16 of the RECQL4 gene. It does not directly change the encoded amino acid sequence of the RECQL4 protein. This variant is not present in population databases (gnomAD no frequency). This variant has not been reported in the literature in individuals affected with RECQL4-related conditions. ClinVar contains an entry for this variant (Variation ID: 959857). Algorithms developed to predict the effect of sequence changes on RNA splicing suggest that this variant may disrupt the consensus splice site. In summary, the available evidence is currently insufficient to determine the role of this variant in disease. Therefore, it has been classified as a Variant of Uncertain Significance.

NM_004260.4(RECQL4):c.2886-8G>A

Gene: RECQL4 (RecQ like helicase 4; minus strand). Cytogenetic location: 8q24.3.
Variant type: single nucleotide variant.
Coding change: c.2886-8G>A on transcript NM_004260.4 (MANE Select); 8 bases into the intron before coding-DNA position 2886, G replaced by A.
Molecular consequence: intron variant.
Genome position (GRCh38, 1-based): chr8:144,512,569, C>T on the plus strand (G>A on the coding strand, the complement: RECQL4 is on the minus strand). VCF-style: chr8-144512569-C-T. GRCh37 (hg19) VCF-style: chr8-145737952-C-T.
Identifiers: ClinVar variation 959857 (VCV000959857.6), dbSNP rs1827452946, ClinGen allele CA463566262.